The following is an entry in ClinVar:

ClinVar aggregate classification (germline): Uncertain significance. Review status: criteria provided, multiple submitters, no conflicts (2 of 4 stars). 3 submissions from 3 submitters: Uncertain significance (3). Last evaluated 2024-10-27.

Conditions:
Cardiovascular phenotype. Identifiers: MedGen CN230736.
Dilated cardiomyopathy 1W (CMD1W). Identifiers: Orphanet 154, MedGen C1969639, MONDO:0012667, OMIM 611407.

Allele frequency attached by ClinVar (database versions not stated): gnomAD 0.00001; TOPMed 0.00001.
gnomAD v4.1: 1 of 1,613,492 alleles (0.000062%); highest among the groups gnomAD compares: Non-Finnish European, 0.000085%; no homozygotes.

Submissions (3):

Women's Health and Genetics/Laboratory Corporation of America, LabCorp
Classification: Uncertain significance. Last evaluated: 2024-10-27. Review status: criteria provided, single submitter. Criteria: LabCorp Variant Classification Summary - May 2015. Collection method: clinical testing. Allele origin: germline.

Labcorp Genetics (formerly Invitae), Labcorp
Classification: Uncertain significance for Dilated cardiomyopathy 1W. Last evaluated: 2022-07-22. Review status: criteria provided, single submitter. Criteria: Invitae Variant Classification Sherloc (09022015). Collection method: clinical testing. Allele origin: germline.
Comment: This sequence change replaces threonine, which is neutral and polar, with alanine, which is neutral and non-polar, at codon 667 of the VCL protein (p.Thr667Ala). In summary, the available evidence is currently insufficient to determine the role of this variant in disease. Therefore, it has been classified as a Variant of Uncertain Significance. Algorithms developed to predict the effect of missense changes on protein structure and function are either unavailable or do not agree on the potential impact of this missense change (SIFT: "Not Available"; PolyPhen-2: "Benign"; Align-GVGD: "Not Available"). ClinVar contains an entry for this variant (Variation ID: 659104). This variant has not been reported in the literature in individuals affected with VCL-related conditions. This variant is not present in population databases (gnomAD no frequency).

Ambry Genetics
Classification: Uncertain significance for Cardiovascular phenotype. Last evaluated: 2021-05-08. Review status: criteria provided, single submitter. Criteria: Ambry Variant Classification Scheme 2023. Collection method: clinical testing. Allele origin: germline.
Comment: The p.T667A variant (also known as c.1999A>G), located in coding exon 14 of the VCL gene, results from an A to G substitution at nucleotide position 1999. The threonine at codon 667 is replaced by alanine, an amino acid with similar properties. This amino acid position is not well conserved in available vertebrate species. In addition, this alteration is predicted to be tolerated by in silico analysis. Since supporting evidence is limited at this time, the clinical significance of this alteration remains unclear.

NM_014000.3(VCL):c.1999A>G (p.Thr667Ala)

Gene: VCL (vinculin; plus strand). Cytogenetic location: 10q22.2.
Variant type: single nucleotide variant.
Coding change: c.1999A>G on transcript NM_014000.3 (MANE Select); coding-DNA position 1999, A replaced by G.
Protein change: p.Thr667Ala; replaces threonine 667 with alanine.
Molecular consequence: missense variant.
Genome position (GRCh38, 1-based): chr10:74,101,074, A>G. VCF-style: chr10-74101074-A-G. GRCh37 (hg19) VCF-style: chr10-75860832-A-G.
Other names: c.1999A>G, p.Thr667Ala (NM_003373.4); short protein forms T667A.
Identifiers: ClinVar variation 659104 (VCV000659104.11), dbSNP rs1233764253, ClinGen allele CA377260883.
Genomic context (GRCh38, chr10:74,101,074, plus strand): 5'-GCGGCTGCGGTTGGTACTGCTAATAAATCAACAGTGGAAGGCATTCAGGCCTCAGTGAAG[A>G]CGGCCCGAGAACTCACACCCCAGGTTGGGTTTTGCTCATTCCTCATACAGTGTTCAGTAA-3'
Protein context (NP_054706.1, residues 657-677): TVEGIQASVK[Thr667Ala]ARELTPQVVS